The following is an entry in ClinVar:

ClinVar aggregate classification (germline): Uncertain significance. Review status: criteria provided, multiple submitters, no conflicts (2 of 4 stars). 3 submissions from 3 submitters: Uncertain significance (3). Last evaluated 2025-07-27.

Conditions:
POLA1-related disorder. Also called: POLA1-related condition.
Inborn genetic diseases. Identifiers: MedGen C0950123, MeSH D030342.

Allele frequency attached by ClinVar (database versions not stated): gnomAD exomes below 0.00001; ExAC 0.00001; gnomAD 0.00001; TOPMed 0.00002.
gnomAD v4.1: 6 of 1,199,914 alleles (0.0005%); highest among the groups gnomAD compares: Non-Finnish European, 0.00056%; no homozygotes.

Submissions (3):

PreventionGenetics, part of Exact Sciences
Classification: Uncertain significance for POLA1-related condition. Last evaluated: 2025-07-27. Review status: criteria provided, single submitter. Criteria: ACMG Guidelines, 2015. Collection method: clinical testing. Allele origin: germline.
Comment: The POLA1 c.3478T>C variant is predicted to result in the amino acid substitution p.Trp1160Arg. To our knowledge, this variant has not been reported in the literature. This variant is reported in 0.0012% of alleles in individuals of European (Non-Finnish) descent in gnomAD. At this time, the clinical significance of this variant is uncertain due to the absence of conclusive functional and genetic evidence.

Labcorp Genetics (formerly Invitae), Labcorp
Classification: Uncertain significance. Last evaluated: 2022-02-28. Review status: criteria provided, single submitter. Criteria: Invitae Variant Classification Sherloc (09022015). Collection method: clinical testing. Allele origin: germline.
Comment: In summary, the available evidence is currently insufficient to determine the role of this variant in disease. Therefore, it has been classified as a Variant of Uncertain Significance. Algorithms developed to predict the effect of missense changes on protein structure and function are either unavailable or do not agree on the potential impact of this missense change (SIFT: "Not Available"; PolyPhen-2: "Benign"; Align-GVGD: "Not Available"). This variant has not been reported in the literature in individuals affected with POLA1-related conditions. This variant is present in population databases (rs751115601, gnomAD 0.001%). This sequence change replaces tryptophan, which is neutral and slightly polar, with arginine, which is basic and polar, at codon 1166 of the POLA1 protein (p.Trp1166Arg).

Ambry Genetics
Classification: Uncertain significance for Inborn genetic diseases. Last evaluated: 2021-06-11. Review status: criteria provided, single submitter. Criteria: Ambry Variant Classification Scheme 2023. Collection method: clinical testing. Allele origin: germline.

NM_001330360.2(POLA1):c.3496T>C (p.Trp1166Arg)

Gene: POLA1 (DNA polymerase alpha 1, catalytic subunit; plus strand). Cytogenetic location: Xp22.11.
Variant type: single nucleotide variant.
Coding change: c.3496T>C on transcript NM_001330360.2 (MANE Select); coding-DNA position 3496, T replaced by C.
Protein change: p.Trp1166Arg; replaces tryptophan 1166 with arginine.
Molecular consequence: missense variant. On other transcripts: non-coding transcript variant (2).
Genome position (GRCh38, 1-based): chrX:24,821,518, T>C. VCF-style: chrX-24821518-T-C. GRCh37 (hg19) VCF-style: chrX-24839635-T-C.
Other names: c.3421T>C, p.Trp1141Arg (NM_001378303.1); c.3478T>C, p.Trp1160Arg (NM_016937.4); c.3478T>C (NM_016937.3); short protein forms W1160R, W1166R, W1141R.
Identifiers: ClinVar variation 2190755 (VCV002190755.6), dbSNP rs751115601, ClinGen allele CA10373567.